The following is an entry in ClinVar:

ClinVar aggregate classification (germline): Uncertain significance. Review status: criteria provided, multiple submitters, no conflicts (2 of 4 stars). 2 submissions from 2 submitters: Uncertain significance (2). Last evaluated 2023-11-21.

Conditions:
Inborn genetic diseases. Identifiers: MedGen C0950123, MeSH D030342.

Allele frequency attached by ClinVar (database versions not stated): TOPMed 0.00003; ExAC 0.00001; gnomAD exomes 0.00001.
gnomAD v4.1: 19 of 1,611,820 alleles (0.0012%); highest among the groups gnomAD compares: East Asian, 0.022%; no homozygotes.

Submissions (2):

Ambry Genetics
Classification: Uncertain significance for Inborn genetic diseases. Last evaluated: 2023-11-21. Review status: criteria provided, single submitter. Criteria: Ambry Variant Classification Scheme 2023. Collection method: clinical testing. Allele origin: germline.

Labcorp Genetics (formerly Invitae), Labcorp
Classification: Uncertain significance. Last evaluated: 2022-02-10. Review status: criteria provided, single submitter. Criteria: Invitae Variant Classification Sherloc (09022015). Collection method: clinical testing. Allele origin: germline.
Comment: This sequence change replaces arginine, which is basic and polar, with cysteine, which is neutral and slightly polar, at codon 182 of the SPINT2 protein (p.Arg182Cys). This variant is present in population databases (rs768138591, gnomAD 0.005%). This variant has not been reported in the literature in individuals affected with SPINT2-related conditions. ClinVar contains an entry for this variant (Variation ID: 1061927). Algorithms developed to predict the effect of missense changes on protein structure and function (SIFT, PolyPhen-2, Align-GVGD) all suggest that this variant is likely to be disruptive. In summary, the available evidence is currently insufficient to determine the role of this variant in disease. Therefore, it has been classified as a Variant of Uncertain Significance.

NM_021102.4(SPINT2):c.544C>T (p.Arg182Cys)

Gene: SPINT2 (serine peptidase inhibitor, Kunitz type 2; plus strand). Cytogenetic location: 19q13.2.
Variant type: single nucleotide variant.
Coding change: c.544C>T on transcript NM_021102.4 (MANE Select); coding-DNA position 544, C replaced by T.
Protein change: p.Arg182Cys; replaces arginine 182 with cysteine.
Molecular consequence: missense variant.
Genome position (GRCh38, 1-based): chr19:38,290,271, C>T. VCF-style: chr19-38290271-C-T. GRCh37 (hg19) VCF-style: chr19-38780911-C-T.
Other names: c.373C>T, p.Arg125Cys (NM_001166103.2); c.544C>T (NM_021102.3); short protein forms R125C, R182C.
Identifiers: ClinVar variation 1061927 (VCV001061927.7), dbSNP rs768138591, ClinGen allele CA9411498.